The following is an entry in ClinVar:

ClinVar aggregate classification (germline): Uncertain significance (1 of 4 stars; one submission).

Allele frequency attached by ClinVar (database versions not stated): ExAC 0.00001; gnomAD 0.00001; ESP Exome Variant Server 0.00008.
gnomAD v4.1: 16 of 1,613,804 alleles (0.00099%); highest among the groups gnomAD compares: East Asian, 0.0022%; no homozygotes.

Submission:

Labcorp Genetics (formerly Invitae), Labcorp
Classification: Uncertain significance. Last evaluated: 2022-07-01. Review status: criteria provided, single submitter. Criteria: Invitae Variant Classification Sherloc (09022015). Collection method: clinical testing. Allele origin: germline.
Comment: Algorithms developed to predict the effect of missense changes on protein structure and function are either unavailable or do not agree on the potential impact of this missense change (SIFT: "Deleterious"; PolyPhen-2: "Probably Damaging"; Align-GVGD: "Class C0"). In summary, the available evidence is currently insufficient to determine the role of this variant in disease. Therefore, it has been classified as a Variant of Uncertain Significance. This variant has not been reported in the literature in individuals affected with DOCK6-related conditions. This variant is present in population databases (rs369962192, gnomAD 0.002%). This sequence change replaces arginine, which is basic and polar, with cysteine, which is neutral and slightly polar, at codon 481 of the DOCK6 protein (p.Arg481Cys).

NM_020812.4(DOCK6):c.1441C>T (p.Arg481Cys)

Gene: DOCK6 (dedicator of cytokinesis 6; minus strand). Cytogenetic location: 19p13.2.
Variant type: single nucleotide variant.
Coding change: c.1441C>T on transcript NM_020812.4 (MANE Select); coding-DNA position 1441, C replaced by T.
Protein change: p.Arg481Cys; replaces arginine 481 with cysteine.
Molecular consequence: missense variant.
Genome position (GRCh38, 1-based): chr19:11,243,098, G>A on the plus strand (C>T on the coding strand, the complement: DOCK6 is on the minus strand). VCF-style: chr19-11243098-G-A. GRCh37 (hg19) VCF-style: chr19-11353774-G-A.
Other names: c.1441C>T, p.Arg481Cys (NM_001367830.1); short protein forms R481C.
Identifiers: ClinVar variation 1899347 (VCV001899347.5), dbSNP rs369962192, ClinGen allele CA9208139.